The following is an entry in ClinVar:

NM_002293.4(LAMC1):c.2226C>T (p.Cys742=)

Gene: LAMC1 (laminin subunit gamma 1; plus strand). Cytogenetic location: 1q25.3.
Variant type: single nucleotide variant.
Coding change: c.2226C>T on transcript NM_002293.4 (MANE Select); coding-DNA position 2226, C replaced by T.
Protein change: p.Cys742=; no amino-acid change (cysteine 742 retained).
Molecular consequence: synonymous variant.
Genome position (GRCh38, 1-based): chr1:183,122,076, C>T. VCF-style: chr1-183122076-C-T. GRCh37 (hg19) VCF-style: chr1-183091211-C-T.
Identifiers: ClinVar variation 3057464 (VCV003057464.2), dbSNP rs776010430, ClinGen allele CA1281317.

ClinVar aggregate classification (germline): Likely benign (0 of 4 stars; one submission).

Conditions:
LAMC1-related disorder. Also called: LAMC1-related condition.

Allele frequency attached by ClinVar (database versions not stated): TOPMed below 0.00001; ExAC 0.00001; gnomAD 0.00001; gnomAD exomes 0.00002.
gnomAD v4.1: 35 of 1,613,488 alleles (0.0022%); highest among the groups gnomAD compares: Non-Finnish European, 0.0029%; no homozygotes.

Submission:

PreventionGenetics, part of Exact Sciences
Classification: Likely benign for LAMC1-related condition. Last evaluated: 2019-03-28. Review status: no assertion criteria provided. Collection method: clinical testing. Allele origin: germline.
Comment: This variant is classified as likely benign based on ACMG/AMP sequence variant interpretation guidelines (Richards et al. 2015 PMID: 25741868, with internal and published modifications).